The following is an entry in ClinVar:

ClinVar aggregate classification (germline): Uncertain significance (1 of 4 stars; one submission).

Submission:

Labcorp Genetics (formerly Invitae), Labcorp
Classification: Uncertain significance. Last evaluated: 2022-03-13. Review status: criteria provided, single submitter. Criteria: Invitae Variant Classification Sherloc (09022015). Collection method: clinical testing. Allele origin: germline.
Comment: This variant, c.1914_1916del, results in the deletion of 1 amino acid(s) of the ASPM protein (p.Lys639del), but otherwise preserves the integrity of the reading frame. This variant is present in population databases (rs778684010, gnomAD 0.08%). This variant has not been reported in the literature in individuals affected with ASPM-related conditions. Experimental studies and prediction algorithms are not available or were not evaluated, and the functional significance of this variant is currently unknown. In summary, the available evidence is currently insufficient to determine the role of this variant in disease. Therefore, it has been classified as a Variant of Uncertain Significance.

NM_018136.5(ASPM):c.1908GAA[2] (p.Lys639del)

Gene: ASPM (assembly factor for spindle microtubules; minus strand). Cytogenetic location: 1q31.3.
Variant type: Microsatellite.
Coding change: c.1908GAA[2] on transcript NM_018136.5 (MANE Select); two copies in a row of the 3-base unit GAA starting at c.1908; the reference has three copies in a row; one copy, 3 bases deleted.
Protein change: p.Lys639del; deletes lysine 639.
Molecular consequence: inframe deletion.
Genome position (GRCh38, 1-based): chr1:197,142,336-197,142,338, TTC deleted on the plus strand (GAA on the coding strand, the reverse complement: ASPM is on the minus strand); deleting any 3 consecutive bases within chr1:197,142,336-197,142,344 gives the same sequence; the position shown is the placement nearest the transcript's 3' end. VCF-style (leftmost placement, unchanged base first): chr1-197142335-TTTC-T. GRCh37 (hg19) VCF-style: chr1-197111465-TTTC-T.
Other names: c.1908GAA[2], p.Lys639del (NM_001206846.2); short protein forms K639del.
Identifiers: ClinVar variation 1939954 (VCV001939954.4), dbSNP rs778684010, ClinGen allele CA1310628.